The following is an entry in ClinVar:

NM_024577.4(SH3TC2):c.3303del (p.Arg1101fs)

Gene: SH3TC2 (SH3 domain and tetratricopeptide repeats 2; minus strand). Cytogenetic location: 5q32.
Variant type: Deletion.
Coding change: c.3303del on transcript NM_024577.4 (MANE Select); coding-DNA position 3303, one base deleted (G; older notation c.3303delG).
Protein change: p.Arg1101fs; shifts the reading frame from arginine 1101.
Molecular consequence: frameshift variant.
Genome position (GRCh38, 1-based): chr5:149,010,294, C deleted on the plus strand (G on the coding strand, the reverse complement: SH3TC2 is on the minus strand); the first of 2 consecutive C bases (chr5:149,010,294-149,010,295); deleting either gives the same sequence. VCF-style (leftmost placement, unchanged base first): chr5-149010293-GC-G. GRCh37 (hg19) VCF-style: chr5-148389856-GC-G.
Other names: c.3303del (NM_024577.3); c.3303delG (NM_024577.3); short protein forms R1101fs.
Identifiers: ClinVar variation 220822 (VCV000220822.17), dbSNP rs864622664, ClinGen allele CA349432.
Genomic context (GRCh38, chr5:149,010,293, plus strand): 5'-AGGACCTGTCTCAGCAAACTGCACAGCTTGGACTTACTCGGTAGTACTCCACTGCATGAT[GC>G]CTGTGGCGGGTCCCATTGAAGAACACATCACCTGCTTCTTCATAAAGTTTGAGAGCCAGC-3'

ClinVar aggregate classification (germline): Pathogenic. Review status: criteria provided, multiple submitters, no conflicts (2 of 4 stars). 8 submissions from 8 submitters: Pathogenic (7). 1 of the submissions does not count toward it. Last evaluated 2026-09-14.

Conditions:
SH3TC2-related disorder. Also called: SH3TC2-related condition; SH3TC2-related disorders. Identifiers: MedGen CN239303.
Charcot-Marie-Tooth disease type 4C (CMT4C). Also called: Charcot-Marie-Tooth Neuropathy Type 4C (CMT4C); SH3TC2-Related Hereditary Motor and Sensory Neuropathy; CHARCOT-MARIE-TOOTH DISEASE, DEMYELINATING, AUTOSOMAL RECESSIVE, TYPE 4C; CHARCOT-MARIE-TOOTH DISEASE, DEMYELINATING, TYPE 4C; CMT 4C. Identifiers: Orphanet 99949, MedGen C1866636, MONDO:0011113, OMIM 601596.
Susceptibility to mononeuropathy of the median nerve, mild. Also called: CARPAL TUNNEL SYNDROME, SUSCEPTIBILITY TO. Identifiers: MedGen C3150596, MONDO:0013237, OMIM 613353.
Charcot-Marie-Tooth disease. Also called: Charcot-Marie-Tooth Hereditary Neuropathy; Charcot-Marie-Tooth Neuropathy. Identifiers: Orphanet 166, MedGen C0007959, MONDO:0015626.
Charcot-Marie-Tooth disease type 4. Also called: Charcot-Marie-Tooth disease, type IV; Charcot-Marie-Tooth, Type 4. Identifiers: Orphanet 64749, MedGen C4082197, MONDO:0018995.

Submissions (8):

PreventionGenetics, part of Exact Sciences
Classification: Pathogenic for SH3TC2-related condition. Last evaluated: 2026-09-14. Review status: criteria provided, single submitter. Criteria: ACMG Guidelines, 2015. Collection method: clinical testing. Allele origin: germline.
Comment: The SH3TC2 c.3303delG variant is predicted to result in a frameshift and premature protein termination (p.Arg1101Serfs*15). This variant has been reported in individuals with autosomal recessive Charcot-Marie-Tooth disease (Supp. Table 5, DiVincenzo et al. 2014. PubMed ID: 25614874; Supp. Table 2, Cortese et al. 2019. PubMed ID: 31827005). This variant has not been reported in a large population database (gnomAD), indicating this variant is rare. Frameshift variants in SH3TC2 are expected to be pathogenic. This variant is interpreted as pathogenic for autosomal recessive SH3TC2-related disorders.

Labcorp Genetics (formerly Invitae), Labcorp
Classification: Pathogenic for Charcot-Marie-Tooth disease type 4. Last evaluated: 2025-12-29. Review status: criteria provided, single submitter. Criteria: Invitae Variant Classification Sherloc (09022015). Collection method: clinical testing. Allele origin: germline.
Comment: This sequence change creates a premature translational stop signal (p.Arg1101Serfs*15) in the SH3TC2 gene. It is expected to result in an absent or disrupted protein product. Loss-of-function variants in SH3TC2 are known to be pathogenic (PMID: 20220177, 27068304). This variant is not present in population databases (gnomAD no frequency). This premature translational stop signal has been observed in individual(s) with neuropathy (PMID: 25614874). ClinVar contains an entry for this variant (Variation ID: 220822). For these reasons, this variant has been classified as Pathogenic.

GeneDx
Classification: Pathogenic. Last evaluated: 2025-02-21. Review status: criteria provided, single submitter. Criteria: GeneDx Variant Classification Process June 2021. Collection method: clinical testing. Allele origin: germline. Affected: yes.
Comment: Frameshift variant predicted to result in protein truncation or nonsense mediated decay in a gene for which loss-of-function is a known mechanism of disease; Not observed at significant frequency in large population cohorts (gnomAD); This variant is associated with the following publications: (PMID: 25614874, 34426522, 31827005, 36947133)

ARUP Laboratories, Molecular Genetics and Genomics, ARUP Laboratories
Classification: Pathogenic. Last evaluated: 2024-12-10. Review status: criteria provided, single submitter. Criteria: ARUP Molecular Germline Variant Investigation Process 2024. Collection method: clinical testing. Allele origin: germline.
Comment: The SH3TC2 c.3303del; p.Arg1101SerfsTer15 variant (rs864622664, ClinVar Variation ID: 220822) is reported in the literature in at least one individual from a large neuropathy cohort (DiVincenzo 2014) and in compound heterozygous individuals affected with Charcot-Marie-Tooth disease (Cortese 2020, Rehbein 2023). This variant is also absent from the Genome Aggregation Database (v2.1.1), indicating it is not a common polymorphism. This variant causes a frameshift by deleting a single nucleotide, so it is predicted to result in a truncated protein or mRNA subject to nonsense-mediated decay. Based on available information, this variant is considered to be pathogenic. References: Cortese A et al. Targeted next-generation sequencing panels in the diagnosis of Charcot-Marie-Tooth disease. Neurology. 2020 Jan 7;94(1):e51-e61. PMID: 31827005. DiVincenzo C et al. The allelic spectrum of Charcot-Marie-Tooth disease in over 17,000 individuals with neuropathy. Mol Genet Genomic Med. 2014 Nov;2(6):522-9. PMID: 25614874. Rehbein T et al. Neuropathy due to bi-allelic SH3TC2 variants: genotype-phenotype correlation and natural history. Brain. 2023 Sep 1;146(9):3826-3835. PMID: 36947133.

Fulgent Genetics
Classification: Pathogenic for Charcot-Marie-Tooth disease type 4C; Susceptibility to mononeuropathy of the median nerve, mild. Last evaluated: 2024-04-07. Review status: criteria provided, single submitter. Criteria: ACMG Guidelines, 2015. Collection method: clinical testing. Allele origin: germline.

Revvity Omics, Revvity
Classification: Pathogenic. Last evaluated: 2023-04-25. Review status: criteria provided, single submitter. Criteria: ACMG Guidelines, 2015. Collection method: clinical testing. Allele origin: germline.

Blueprint Genetics
Classification: Pathogenic for SH3TC2-related disorders. Last evaluated: 2020-11-23. Review status: criteria provided, single submitter. Criteria: ACMG Guidelines, 2015. Collection method: clinical testing. Allele origin: germline. Affected: yes. Observed: 1 variant allele.

Inherited Neuropathy Consortium
Classification: Pathogenic for Charcot-Marie-Tooth disease. Review status: no assertion criteria provided. Collection method: literature only. Allele origin: germline. Affected: yes. Not counted in ClinVar's aggregate classification.

Literature cited by the submitters: PubMed 20220177 (cited by Labcorp Genetics (formerly Invitae), Labcorp); PubMed 27068304 (cited by Labcorp Genetics (formerly Invitae), Labcorp); PubMed 25614874 (cited by Labcorp Genetics (formerly Invitae), Labcorp and Inherited Neuropathy Consortium).